The following is an entry in ClinVar:

ClinVar aggregate classification (germline): Conflicting classifications of pathogenicity. Review status: criteria provided, conflicting classifications (1 of 4 stars). 7 submissions from 7 submitters: Likely pathogenic (3); Uncertain significance (4). Last evaluated 2026-07-13.

Conditions:
Fetal anomalies with a likely genetic cause.
Gaucher disease type III. Also called: GAUCHER DISEASE, CHRONIC NEURONOPATHIC TYPE; GAUCHER DISEASE, JUVENILE AND ADULT, CEREBRAL; GAUCHER DISEASE, SUBACUTE NEURONOPATHIC TYPE; GD III; Type 3 Gaucher disease (Subacute; Juvenile); Gaucher Disease, Type 3. Identifiers: Orphanet 355, Orphanet 77261, MedGen C0268251, MONDO:0009267, OMIM 231000.
Gaucher disease type I (GD1). Also called: GD 1; ACID BETA-GLUCOSIDASE DEFICIENCY; GAUCHER DISEASE, NONCEREBRAL JUVENILE; GBA DEFICIENCY; GD I; GLUCOCEREBROSIDASE DEFICIENCY. Identifiers: Orphanet 355, Orphanet 77259, MedGen C1961835, MONDO:0009265, OMIM 230800.
Gaucher disease type II (GD2). Also called: GAUCHER DISEASE, ACUTE NEURONOPATHIC TYPE; GD II; Type 2 Gaucher disease (Acute; Infantile); Acute neuronopathic Gaucher's disease. Identifiers: Orphanet 77260, MedGen C0268250, MONDO:0009266, OMIM 230900.
Gaucher disease-ophthalmoplegia-cardiovascular calcification syndrome. Also called: GAUCHER DISEASE, TYPE IIIC. Identifiers: Orphanet 2072, MedGen C1856476, MONDO:0009268, OMIM 231005.
Gaucher disease. Also called: Acute cerebral Gaucher disease; Cerebroside lipidosis syndrome; Gaucher splenomegaly; Sphingolipidosis 1; Glucocerebrosidosis; Glucosylceramidase deficiency. Identifiers: Orphanet 355, MedGen C0017205, MONDO:0018150.
Parkinson disease, late-onset (PD). Also called: PARKINSON DISEASE, LATE-ONSET, SUSCEPTIBILITY TO; Hereditary late onset Parkinson disease; Susceptibility to Parkinson's Disease. Identifiers: Orphanet 411602, MedGen C3160718, MONDO:0008199, OMIM 168600.

Allele frequency attached by ClinVar (database versions not stated): gnomAD exomes 0.00001; TOPMed 0.00001; gnomAD 0.00002.
gnomAD v4.1: 16 of 1,613,870 alleles (0.00099%); highest among the groups gnomAD compares: East Asian, 0.0022%; no homozygotes.

Submissions (7):

Genetics Laboratory, Great Ormond Street Hospital NHS Foundation Trust, North Thames Genomic Laboratory Hub
Classification: Uncertain significance for Fetal anomalies with a likely genetic cause. Last evaluated: 2026-07-13. Review status: criteria provided, single submitter. Criteria: ACGS Best Practice Guidelines for Variant Classification in Rare Disease 2024 v1.2. Collection method: clinical testing. Allele origin: germline. Affected: yes.
Comment: PM2_moderate, PM3_supporting, PP4_supporting

Natera, Inc.
Classification: Likely pathogenic for Gaucher disease. Last evaluated: 2025-10-08. Review status: criteria provided, single submitter. Criteria: Natera Variant Classification Schema (03/2026). Collection method: clinical testing. Allele origin: germline.
Comment: The c.946C>T variant in GBA1 is a missense variant predicted to cause substitution of arginine to cysteine at amino acid 316. This variant is rare in the general population with a frequency below the threshold expected for the associated phenotype(s). This variant has been observed in one or more individuals affected with the associated recessive disease, as either homozygous or compound heterozygous with a second variant (PMID: 33176831, 22964618). Computational prediction algorithms indicate this variant is likely to affect gene or protein function. Given the available evidence, this variant is classified as Likely Pathogenic.

3billion
Classification: Uncertain significance for Parkinson disease, late-onset. Last evaluated: 2024-11-26. Review status: criteria provided, single submitter. Criteria: ACMG Guidelines, 2015. Collection method: clinical testing. Allele origin: germline. Affected: yes.
Comment: The variant is observed at an extremely low frequency in the gnomAD v4.1.0 dataset (total allele frequency: <0.001%). Predicted Consequence/Location: Missense variant In silico tool predictions suggest damaging effect of the variant on gene or gene product [REVEL: 0.64 (>=0.6, sensitivity 0.68 and specificity 0.92); 3Cnet: 0.99 (>=0.6, sensitivity 0.72 and precision 0.9)]. The same nucleotide change resulting in the same amino acid change has been previously reported as pathogenic/likely pathogenic (ClinVar ID: VCV000813338, PMID: 22387070). However, the evidence of pathogenicity is insufficient at this time. Therefore, this variant is classified as VUS according to the recommendation of ACMG/AMP guideline.

Women's Health and Genetics/Laboratory Corporation of America, LabCorp
Classification: Uncertain significance. Last evaluated: 2021-12-15. Review status: criteria provided, single submitter. Criteria: LabCorp Variant Classification Summary - May 2015. Collection method: clinical testing. Allele origin: germline.
Comment: Variant summary: GBA c.946C>T (p.Arg316Cys) results in a non-conservative amino acid change located in the TIM-barrel domain (IPR033453) of the encoded protein sequence. Four of five in-silico tools predict a damaging effect of the variant on protein function. The variant allele was found at a frequency of 1.2e-05 in 251138 control chromosomes (gnomAD). The variant, c.946C>T (aka Arg277Cys), has been reported in two compound heterozygous individuals (phase was not specified) affected with Gaucher Disease (Lee_2012, Kim_2012), in both cases the diagnosis was confirmed by deficient GBA activity. In addition, the variant was also reported in heterozygous state in a patient affected with Parkinson disease (Choi_2012). These data indicate that the variant may be associated with disease. To our knowledge, no experimental evidence demonstrating an impact on protein function has been reported. Three clinical diagnostic laboratories have submitted clinical-significance assessments for this variant to ClinVar after 2014, and classified the variant as likely pathogenic (n=2) or VUS (n=1). Based on the evidence outlined above, the variant was classified as VUS-possibly pathogenic.

Fulgent Genetics
Classification: Likely pathogenic for Parkinson disease, late-onset. Last evaluated: 2021-05-03. Review status: criteria provided, single submitter. Criteria: ACMG Guidelines, 2015. Collection method: clinical testing. Allele origin: germline. Affected: yes.

GeneDx
Classification: Uncertain significance. Last evaluated: 2019-09-13. Review status: criteria provided, single submitter. Criteria: GeneDx Variant Classification Process June 2021. Collection method: clinical testing. Allele origin: germline. Affected: yes.
Comment: Observed with a pathogenic variant in an individual with Gaucher disease, but it is not known whether the variant occurred on the same (in cis) or on different (in trans) chromosomes (Lee et al., 2012); Observed as a heterozygous variant in an individual with Parkinson disease (Choi et al., 2012); In silico analysis, which includes protein predictors and evolutionary conservation, supports a deleterious effect; This variant is associated with the following publications: (PMID: 22964618, 22375149, 22387070, 33176831)

Baylor Genetics
Classification: Likely pathogenic for Gaucher disease type I; Gaucher disease type II; Gaucher disease type III; Gaucher disease-ophthalmoplegia-cardiovascular calcification syndrome. Review status: criteria provided, single submitter. Criteria: ACMG Guidelines, 2015. Collection method: clinical testing. Allele origin: germline.

Literature cited by the submitters: PubMed 33176831 (cited by Natera, Inc. and Women's Health and Genetics/Laboratory Corporation of America, LabCorp); PubMed 22964618 (cited by Natera, Inc. and Women's Health and Genetics/Laboratory Corporation of America, LabCorp); PubMed 22375149 (cited by Women's Health and Genetics/Laboratory Corporation of America, LabCorp); PubMed 22387070 (cited by Women's Health and Genetics/Laboratory Corporation of America, LabCorp); PubMed 25653295 (cited by Women's Health and Genetics/Laboratory Corporation of America, LabCorp).

NM_000157.4(GBA1):c.946C>T (p.Arg316Cys)

Genes: GBA1 (glucosylceramidase beta 1; minus strand), LOC106627981 (GBA recombination region; plus strand). Cytogenetic location: 1q22.
Variant type: single nucleotide variant.
Coding change: c.946C>T on transcript NM_000157.4 (MANE Select); coding-DNA position 946, C replaced by T.
Protein change: p.Arg316Cys; replaces arginine 316 with cysteine.
Molecular consequence: missense variant.
Genome position (GRCh38, 1-based): chr1:155,237,394, G>A on the plus strand (C>T on the coding strand, the complement: GBA1 is on the minus strand). VCF-style: chr1-155237394-G-A. GRCh37 (hg19) VCF-style: chr1-155207185-G-A.
Other names: c.946C>T, p.Arg316Cys (NM_001005741.3, NM_001005742.3); c.685C>T, p.Arg229Cys (NM_001171811.2); c.799C>T, p.Arg267Cys (NM_001171812.2); c.946C>T (NM_000157.3); short protein forms R229C, R267C, R316C.
Identifiers: ClinVar variation 813338 (VCV000813338.11), dbSNP rs1264734195, ClinGen allele CA342718881.
Genomic context (GRCh38, chr1:155,237,394, plus strand): 5'-GCCTTACCACCTTTGCCCAGTGGGGCAGCAGCAAGCGTTGGTCATCCAGCATGAGTAGGC[G>A]GACATTGTGGTGAGTACTGTTGGCGAGGGTAGGACCTAGGTCACGGGCAATGAAGTCTCG-3'
Protein context (NP_000148.2, residues 306-326): TLANSTHHNV[Arg316Cys]LLMLDDQRLL